The following is an entry in ClinVar:

ClinVar aggregate classification (germline): Uncertain significance. Review status: criteria provided, multiple submitters, no conflicts (2 of 4 stars). 4 submissions from 4 submitters: Uncertain significance (4). Last evaluated 2025-03-07.

Conditions:
Hypercalcemia, infantile, 2 (HCINF2). Identifiers: Orphanet 300547, MedGen C4310473, MONDO:0014851, OMIM 616963.

Submissions (4):

Mayo Clinic Laboratories, Mayo Clinic
Classification: Uncertain significance. Last evaluated: 2025-03-07. Review status: criteria provided, single submitter. Criteria: ACMG Guidelines, 2015. Collection method: clinical testing. Allele origin: germline. Observed: 1 variant allele.
Comment: PM2_supporting, PM4

GeneDx
Classification: Uncertain significance. Last evaluated: 2024-11-14. Review status: criteria provided, single submitter. Criteria: GeneDx Variant Classification Process June 2021. Collection method: clinical testing. Allele origin: germline. Affected: yes.
Comment: In-frame deletion of 1 amino acid(s) in a non-repeat region; In silico analysis supports a deleterious effect on protein structure/function; Has not been previously published as pathogenic or benign to our knowledge

Labcorp Genetics (formerly Invitae), Labcorp
Classification: Uncertain significance. Last evaluated: 2022-05-18. Review status: criteria provided, single submitter. Criteria: Invitae Variant Classification Sherloc (09022015). Collection method: clinical testing. Allele origin: germline.
Comment: This variant has not been reported in the literature in individuals affected with SLC34A1-related conditions. This variant, c.1438_1440del, results in the deletion of 1 amino acid(s) of the SLC34A1 protein (p.Phe480del), but otherwise preserves the integrity of the reading frame. This variant is present in population databases (rs779993608, gnomAD 0.01%). Experimental studies and prediction algorithms are not available or were not evaluated, and the functional significance of this variant is currently unknown. In summary, the available evidence is currently insufficient to determine the role of this variant in disease. Therefore, it has been classified as a Variant of Uncertain Significance.

Neuberg Centre For Genomic Medicine, NCGM
Classification: Uncertain significance for Hypercalcemia, infantile, 2. Review status: criteria provided, single submitter. Criteria: ACMG Guidelines, 2015. Collection method: clinical testing. Allele origin: germline. Inheritance: Autosomal recessive inheritance. Affected: yes.
Comment: The c.1438_1440del (p.Phe480del) inframe deletion variant in SLC34A1 gene has not been reported previously as a pathogenic variant nor as a benign variant, to our knowledge. The p.Phe480del variant is reported with the allele frequency (0.003%) in the gnomAD and novel in 1000 genome database. This p.Phe480del causes deletion of amino acid Phenylalanine at position 480. Since this inframe deletion is not expected to cause protein truncation, the above variant has been classified as Variant of Uncertain Significance (VUS).

NM_003052.5(SLC34A1):c.1432TTC[2] (p.Phe480del)

Gene: SLC34A1 (solute carrier family 34 member 1; plus strand). Cytogenetic location: 5q35.3.
Variant type: Microsatellite.
Coding change: c.1432TTC[2] on transcript NM_003052.5 (MANE Select); two copies in a row of the 3-base unit TTC starting at c.1432; the reference has three copies in a row; one copy, 3 bases deleted; also written c.1438_1440del.
Protein change: p.Phe480del; deletes phenylalanine 480.
Molecular consequence: inframe deletion.
Genome position (GRCh38, 1-based): chr5:177,397,804-177,397,806, TTC deleted; deleting any 3 consecutive bases within chr5:177,397,797-177,397,806 gives the same sequence; the position shown is the placement nearest the transcript's 3' end. VCF-style (leftmost placement, unchanged base first): chr5-177397796-ACTT-A. GRCh37 (hg19) VCF-style: chr5-176824797-ACTT-A.
Other names: p.Phe480del; c.1438_1440del (NM_003052.4, NM_003052.5); short protein forms F480del.
Identifiers: ClinVar variation 2144515 (VCV002144515.6), dbSNP rs779993608, ClinGen allele CA3580798.